The following is an entry in ClinVar:

ClinVar aggregate classification (germline): Uncertain significance (1 of 4 stars; one submission).

Allele frequency attached by ClinVar (database versions not stated): gnomAD exomes below 0.00001.
gnomAD v4.1: 3 of 1,613,996 alleles (0.00019%); highest among the groups gnomAD compares: Non-Finnish European, 0.00025%; no homozygotes.

Submission:

Women's Health and Genetics/Laboratory Corporation of America, LabCorp
Classification: Uncertain significance. Last evaluated: 2024-04-05. Review status: criteria provided, single submitter. Criteria: LabCorp Variant Classification Summary - May 2015. Collection method: clinical testing. Allele origin: germline.
Comment: Variant summary: MYH2 c.5605A>G (p.Arg1869Gly) results in a non-conservative amino acid change located in the Myosin tail (IPR001609) of the encoded protein sequence. Five of five in-silico tools predict a damaging effect of the variant on protein function. The variant was absent in 250894 control chromosomes. The available data on variant occurrences in the general population are insufficient to allow any conclusion about variant significance. To our knowledge, no occurrence of c.5605A>G in individuals affected with Myopathy, Proximal, And Ophthalmoplegia and no experimental evidence demonstrating its impact on protein function have been reported. No submitters have cited clinical-significance assessments for this variant to ClinVar. Based on the evidence outlined above, the variant was classified as uncertain significance.

NM_017534.6(MYH2):c.5605A>G (p.Arg1869Gly)

Genes: MYHAS (myosin heavy chain gene cluster antisense RNA; plus strand), MYH2 (myosin heavy chain 2; minus strand). Cytogenetic location: 17p13.1.
Variant type: single nucleotide variant.
Coding change: c.5605A>G on transcript NM_017534.6 (MANE Select); coding-DNA position 5605, A replaced by G.
Protein change: p.Arg1869Gly; replaces arginine 1869 with glycine.
Molecular consequence: missense variant.
Genome position (GRCh38, 1-based): chr17:10,523,158, T>C on the plus strand (A>G on the coding strand, the complement: MYH2 is on the minus strand). VCF-style: chr17-10523158-T-C. GRCh37 (hg19) VCF-style: chr17-10426475-T-C.
Other names: c.5605A>G, p.Arg1869Gly (NM_001100112.2); short protein forms R1869G.
Identifiers: ClinVar variation 3251513 (VCV003251513.1), dbSNP rs113249641.
Genomic context (GRCh38, chr17:10,523,158, plus strand): 5'-CAGCTTGTCTCTTATAAGATTTCACTTTTGCCTGAAGTTTATCTACCAAATCTTGAAGCC[T>C]GAGAATATTCTTTCTATCTTCTTCCGTCTGAAAGATTATAAAAAGTCCAGGACCTTAATT-3'
Protein context (NP_060004.3, residues 1859-1879): QTEEDRKNIL[Arg1869Gly]LQDLVDKLQA